The following is an entry in ClinVar:

NM_198578.4(LRRK2):c.3864G>A (p.Met1288Ile)

Gene: LRRK2 (leucine rich repeat kinase 2; plus strand). Cytogenetic location: 12q12.
Variant type: single nucleotide variant.
Coding change: c.3864G>A on transcript NM_198578.4 (MANE Select); coding-DNA position 3864, G replaced by A.
Protein change: p.Met1288Ile; replaces methionine 1288 with isoleucine.
Molecular consequence: missense variant.
Genome position (GRCh38, 1-based): chr12:40,305,871, G>A. VCF-style: chr12-40305871-G-A. GRCh37 (hg19) VCF-style: chr12-40699673-G-A.
Other names: short protein forms M1288I.
Identifiers: ClinVar variation 308631 (VCV000308631.12), dbSNP rs747301221, ClinGen allele CA6514027.

ClinVar aggregate classification (germline): Uncertain significance. Review status: criteria provided, multiple submitters, no conflicts (2 of 4 stars). 3 submissions from 3 submitters: Uncertain significance (3). Last evaluated 2025-11-01.

Conditions:
Inborn genetic diseases. Identifiers: MedGen C0950123, MeSH D030342.
Autosomal dominant Parkinson disease 8. Also called: Parkinson disease 8, susceptibility to; LRRK2-Related Parkinson Disease; Parkinson disease 8. Identifiers: Orphanet 411602, MedGen C1846862, MONDO:0011764, OMIM 607060.

Allele frequency attached by ClinVar (database versions not stated): ExAC 0.00002; gnomAD exomes 0.00006 and 0.00001; gnomAD 0.00001; TOPMed 0.00001.

Submissions (3):

CeGaT Center for Human Genetics Tuebingen
Classification: Uncertain significance. Last evaluated: 2025-11-01. Review status: criteria provided, single submitter. Criteria: CeGaT Center For Human Genetics Tuebingen Variant Classification Criteria Version 2. Collection method: clinical testing. Allele origin: germline. Affected: yes. Observed: 1 variant allele.
Comment: LRRK2: PM2

Ambry Genetics
Classification: Uncertain significance for Inborn genetic diseases. Last evaluated: 2023-10-14. Review status: criteria provided, single submitter. Criteria: Ambry Variant Classification Scheme 2023. Collection method: clinical testing. Allele origin: germline.

Illumina Laboratory Services, Illumina
Classification: Uncertain significance for Autosomal dominant Parkinson disease 8. Last evaluated: 2018-01-13. Review status: criteria provided, single submitter. Criteria: ICSL Variant Classification Criteria 13 December 2019. Collection method: clinical testing. Allele origin: germline.